The following is an entry in ClinVar:

ClinVar aggregate classification (germline): Uncertain significance. Review status: criteria provided, multiple submitters, no conflicts (2 of 4 stars). 2 submissions from 2 submitters: Uncertain significance (2). Last evaluated 2025-06-07.

Conditions:
Inborn genetic diseases. Identifiers: MedGen C0950123, MeSH D030342.
DOCK2 deficiency. Also called: Immunodeficiency 40. Identifiers: Orphanet 447737, MedGen C4225328, MONDO:0014637, OMIM 616433.

Allele frequency attached by ClinVar (database versions not stated): TOPMed 0.00002; gnomAD 0.00001 and 0.00002; gnomAD exomes 0.00001; ExAC 0.00001.
gnomAD v4.1: 13 of 1,613,600 alleles (0.00081%); highest among the groups gnomAD compares: Non-Finnish European, 0.001%; no homozygotes.

Submissions (2):

Ambry Genetics
Classification: Uncertain significance for Inborn genetic diseases. Last evaluated: 2025-06-07. Review status: criteria provided, single submitter. Criteria: Ambry Variant Classification Scheme 2023. Collection method: clinical testing. Allele origin: germline.

Labcorp Genetics (formerly Invitae), Labcorp
Classification: Uncertain significance for DOCK2 deficiency. Last evaluated: 2022-03-19. Review status: criteria provided, single submitter. Criteria: Invitae Variant Classification Sherloc (09022015). Collection method: clinical testing. Allele origin: germline.
Comment: This sequence change replaces arginine, which is basic and polar, with histidine, which is basic and polar, at codon 1480 of the DOCK2 protein (p.Arg1480His). This variant is present in population databases (rs764242211, gnomAD 0.003%). This variant has not been reported in the literature in individuals affected with DOCK2-related conditions. Algorithms developed to predict the effect of missense changes on protein structure and function are either unavailable or do not agree on the potential impact of this missense change (SIFT: "Deleterious"; PolyPhen-2: "Probably Damaging"; Align-GVGD: "Class C0"). In summary, the available evidence is currently insufficient to determine the role of this variant in disease. Therefore, it has been classified as a Variant of Uncertain Significance.

NM_004946.3(DOCK2):c.4439G>A (p.Arg1480His)

Gene: DOCK2 (dedicator of cytokinesis 2; plus strand). Cytogenetic location: 5q35.1.
Variant type: single nucleotide variant.
Coding change: c.4439G>A on transcript NM_004946.3 (MANE Select); coding-DNA position 4439, G replaced by A.
Protein change: p.Arg1480His; replaces arginine 1480 with histidine.
Molecular consequence: missense variant. On other transcripts: non-coding transcript variant (1).
Genome position (GRCh38, 1-based): chr5:170,057,638, G>A. VCF-style: chr5-170057638-G-A. GRCh37 (hg19) VCF-style: chr5-169484642-G-A.
Other names: c.4439G>A (NM_004946.2); short protein forms R1480H.
Identifiers: ClinVar variation 1488112 (VCV001488112.4), dbSNP rs764242211, ClinGen allele CA3554551.
Genomic context (GRCh38, chr5:170,057,638, plus strand): 5'-AGTCCATGTGGATTGAGAGAACCTCCTTCGTGACTGCATACAAGCTGCCGGGGATCCTGC[G>A]CTGGTTTGAGGTGGTGCACATGTCGCAGGTGAGTCTGGGACATTCGTGGCAGGGCCACCC-3'
Protein context (NP_004937.1, residues 1470-1490): VTAYKLPGIL[Arg1480His]WFEVVHMSQT